The following is an entry in ClinVar:

NC_000023.10:g.(?_31893285)_(31897527_?)del

Gene: DMD (dystrophin; minus strand). Cytogenetic location: Xp21.1.
Variant type: Deletion.
Identifiers: ClinVar variation 3242831 (VCV003242831.1).

ClinVar aggregate classification (germline): Pathogenic (1 of 4 stars; one submission).

Conditions:
Duchenne muscular dystrophy (DMD). Also called: MUSCULAR DYSTROPHY, PSEUDOHYPERTROPHIC PROGRESSIVE, DUCHENNE TYPE; Duchenne Muscular Dystrophy (DMD). Identifiers: Orphanet 98896, MedGen C0013264, MONDO:0010679, OMIM 310200.

Submission:

Labcorp Genetics (formerly Invitae), Labcorp
Classification: Pathogenic for Duchenne muscular dystrophy. Last evaluated: 2023-12-11. Review status: criteria provided, single submitter. Criteria: Invitae Variant Classification Sherloc (09022015). Collection method: clinical testing. Allele origin: unknown.
Comment: This variant is a gross deletion of the genomic region encompassing exon(s) 48 of the DMD gene. This variant would be expected to be in-frame, preserving the integrity of the reading frame. A similar copy number variant has been observed in individuals with Becker or Duchenne muscular dystrophy (PMID: 2063877, 9007319, 25482253, 28247318). Experimental studies and prediction algorithms are not available or were not evaluated, and the functional significance of this variant is currently unknown. For these reasons, this variant has been classified as Pathogenic.

Literature cited by the submitters: PubMed 2063877; PubMed 9007319; PubMed 25482253; PubMed 28247318.